The following is an entry in ClinVar:

NM_003001.5(SDHC):c.214del (p.Arg72fs)

Gene: SDHC (succinate dehydrogenase complex subunit C; plus strand). Cytogenetic location: 1q23.3.
Variant type: Deletion.
Coding change: c.214del on transcript NM_003001.5 (MANE Select); coding-DNA position 214, one base deleted (C; older notation c.214delC).
Protein change: p.Arg72fs; shifts the reading frame from arginine 72.
Molecular consequence: frameshift variant.
Genome position (GRCh38, 1-based): chr1:161,340,628, C deleted; the last of 2 consecutive C bases (chr1:161,340,627-161,340,628); deleting either gives the same sequence. VCF-style (leftmost placement, unchanged base first): chr1-161340626-AC-A. GRCh37 (hg19) VCF-style: chr1-161310416-AC-A.
Other names: c.214delC, p.Arg72Valfs (NM_001035511.3); c.112delC, p.Arg38Valfs (NM_001035512.3, NM_001278172.3, NM_001407118.1); c.55delC, p.Arg19Valfs (NM_001035513.3); c.334delC, p.Arg112Valfs (NM_001407115.1); c.157delC, p.Arg53Valfs (NM_001407116.1, NM_001407117.1, NM_001407121.1); c.103delC, p.Arg35Valfs (NM_001407119.1, NM_001407120.1); short protein forms R19fs, R38fs, R72fs.
Identifiers: ClinVar variation 1456907 (VCV001456907.7), dbSNP rs2102336244, ClinGen allele CA2573131185.

ClinVar aggregate classification (germline): Pathogenic (1 of 4 stars; one submission).

Conditions:
Gastrointestinal stromal tumor. Also called: Gastrointestinal stroma tumor; Gastrointestinal stromal tumor, somatic. Identifiers: Orphanet 44890, MedGen C0238198, MeSH D046152, MONDO:0011719, OMIM 606764, HP:0100723.
Pheochromocytoma/paraganglioma syndrome 3. Also called: GLOMUS TUMORS, FAMILIAL, 3; SDHC-Related Hereditary Paraganglioma-Pheochromocytoma Syndrome; Paragangliomas 3; SDHC-Related Hereditary Paraganglioma-Pheochromocytoma Syndrome (Paragangliomas 3). Identifiers: Orphanet 29072, MedGen C1854336, MONDO:0011544, OMIM 605373.

Submission:

Labcorp Genetics (formerly Invitae), Labcorp
Classification: Pathogenic for Pheochromocytoma/paraganglioma syndrome 3; Gastrointestinal stromal tumor. Last evaluated: 2021-04-23. Review status: criteria provided, single submitter. Criteria: Invitae Variant Classification Sherloc (09022015). Collection method: clinical testing. Allele origin: germline.
Comment: For these reasons, this variant has been classified as Pathogenic. This variant has not been reported in the literature in individuals with SDHC-related conditions. This variant is not present in population databases (ExAC no frequency). This sequence change creates a premature translational stop signal (p.Arg72Valfs*7) in the SDHC gene. It is expected to result in an absent or disrupted protein product. Loss-of-function variants in SDHC are known to be pathogenic (PMID: 19454582, 24758179).

Literature cited by the submitters: PubMed 19454582; PubMed 24758179.